The following is an entry in ClinVar:

ClinVar aggregate classification (germline): Pathogenic/Likely pathogenic. Review status: criteria provided, multiple submitters, no conflicts (2 of 4 stars). 2 submissions from 2 submitters: Pathogenic (1); Likely pathogenic (1). Last evaluated 2024-08-13.

Conditions:
Myopathy, lactic acidosis, and sideroblastic anemia. Also called: Myopathy with lactic acidosis and sideroblastic anemia; Mitochondrial myopathy and sideroblastic anemia. Identifiers: Orphanet 2598, MedGen C1838103, MONDO:0000863.

Submissions (2):

Natera, Inc.
Classification: Likely pathogenic for Mitochondrial myopathy and sideroblastic anemia. Last evaluated: 2024-08-13. Review status: criteria provided, single submitter. Criteria: Natera Variant Classification Schema (03/2026). Collection method: clinical testing. Allele origin: germline.
Comment: The c.505_506del variant in PUS1 is a frameshift variant predicted to shift the reading frame beginning at codon 169 and leads to a stop codon 22 codons downstream. This variant is expected to result in nonsense mediated decay, truncation, or a dysfunctional protein product. This variant is rare in the general population with a frequency below the threshold expected for the associated phenotype(s). Given the available evidence, this variant is classified as Likely Pathogenic.

Labcorp Genetics (formerly Invitae), Labcorp
Classification: Pathogenic. Last evaluated: 2023-08-24. Review status: criteria provided, single submitter. Criteria: Invitae Variant Classification Sherloc (09022015). Collection method: clinical testing. Allele origin: germline.
Comment: This sequence change creates a premature translational stop signal (p.Lys169Aspfs*22) in the PUS1 gene. It is expected to result in an absent or disrupted protein product. Loss-of-function variants in PUS1 are known to be pathogenic (PMID: 17056637, 19731322, 25058219, 26556812). This variant is not present in population databases (gnomAD no frequency). This variant has not been reported in the literature in individuals affected with PUS1-related conditions. For these reasons, this variant has been classified as Pathogenic.

Literature cited by the submitters: PubMed 17056637 (cited by Labcorp Genetics (formerly Invitae), Labcorp); PubMed 19731322 (cited by Labcorp Genetics (formerly Invitae), Labcorp); PubMed 25058219 (cited by Labcorp Genetics (formerly Invitae), Labcorp); PubMed 26556812 (cited by Labcorp Genetics (formerly Invitae), Labcorp).

NM_025215.6(PUS1):c.505_506del (p.Lys169fs)

Gene: PUS1 (pseudouridine synthase 1; plus strand). Cytogenetic location: 12q24.33.
Variant type: Deletion.
Coding change: c.505_506del on transcript NM_025215.6 (MANE Select); coding-DNA positions 505 to 506, 2 bases deleted (AA; older notation c.505_506delAA).
Protein change: p.Lys169fs; shifts the reading frame from lysine 169.
Molecular consequence: frameshift variant.
Genome position (GRCh38, 1-based): chr12:131,939,236-131,939,237, AA deleted; deleting any 2 consecutive bases within chr12:131,939,234-131,939,237 gives the same sequence; the c. name uses the placement nearest the transcript's 3' end. VCF-style (leftmost placement, unchanged base first): chr12-131939233-GAA-G. GRCh37 (hg19) VCF-style: chr12-132423778-GAA-G.
Other names: c.505_506del (NM_025215.5); c.421_422del, p.Lys141fs (NM_001002019.3, NM_001002020.3); short protein forms K169fs, K141fs.
Identifiers: ClinVar variation 2810732 (VCV002810732.4), dbSNP rs2540870275, ClinGen allele CA2621972771.